The following is an entry in ClinVar:

ClinVar aggregate classification (germline): Conflicting classifications of pathogenicity. Review status: criteria provided, conflicting classifications (1 of 4 stars). 2 submissions from 2 submitters: Uncertain significance (1); Likely benign (1). Last evaluated 2026-01-18.

Conditions:
Hereditary cancer-predisposing syndrome. Also called: Tumor predisposition; Hereditary neoplastic syndrome; Neoplastic Syndromes, Hereditary; Hereditary Cancer Syndrome. Identifiers: Orphanet 140162, MedGen C0027672, MeSH D009386, MONDO:0015356.

gnomAD v4.1: 11 of 1,610,540 alleles (0.00068%); highest among the groups gnomAD compares: Non-Finnish European, 0.00068%; no homozygotes.

Submissions (2):

Labcorp Genetics (formerly Invitae), Labcorp
Classification: Uncertain significance. Last evaluated: 2026-01-18. Review status: criteria provided, single submitter. Criteria: Invitae Variant Classification Sherloc (09022015). Collection method: clinical testing. Allele origin: germline.
Comment: This sequence change replaces arginine, which is basic and polar, with leucine, which is neutral and non-polar, at codon 59 of the NTHL1 protein (p.Arg59Leu). This variant is present in population databases (rs773364076, gnomAD 0.006%). This variant has not been reported in the literature in individuals affected with NTHL1-related conditions. ClinVar contains an entry for this variant (Variation ID: 858698). An algorithm developed to predict the effect of missense changes on protein structure and function (PolyPhen-2) suggests that this variant is likely to be tolerated. In summary, the available evidence is currently insufficient to determine the role of this variant in disease. Therefore, it has been classified as a Variant of Uncertain Significance.

Ambry Genetics
Classification: Likely benign for Hereditary cancer-predisposing syndrome. Last evaluated: 2024-03-27. Review status: criteria provided, single submitter. Criteria: Ambry Variant Classification Scheme 2023. Collection method: clinical testing. Allele origin: germline.

NM_002528.7(NTHL1):c.152G>T (p.Arg51Leu)

Gene: NTHL1 (nth like DNA glycosylase 1; minus strand). Cytogenetic location: 16p13.3.
Variant type: single nucleotide variant.
Coding change: c.152G>T on transcript NM_002528.7 (MANE Select); coding-DNA position 152, G replaced by T.
Protein change: p.Arg51Leu; replaces arginine 51 with leucine.
Molecular consequence: missense variant. On other transcripts: 5 prime UTR variant (1).
Genome position (GRCh38, 1-based): chr16:2,046,330, C>A on the plus strand (G>T on the coding strand, the complement: NTHL1 is on the minus strand). VCF-style: chr16-2046330-C-A. GRCh37 (hg19) VCF-style: chr16-2096331-C-A.
Other names: c.152G>T, p.Arg51Leu (NM_001318193.2); c.-27G>T (NM_001318194.2); short protein forms R51L.
Identifiers: ClinVar variation 858698 (VCV000858698.10), dbSNP rs773364076, ClinGen allele CA7828353.